The following is an entry in ClinVar:

ClinVar aggregate classification (germline): Uncertain significance (1 of 4 stars; one submission).

Allele frequency attached by ClinVar (database versions not stated): gnomAD exomes below 0.00001.
gnomAD v4.1: 3 of 1,566,342 alleles (0.00019%); highest among the groups gnomAD compares: South Asian, 0.0023%; no homozygotes.

Submission:

Labcorp Genetics (formerly Invitae), Labcorp
Classification: Uncertain significance. Last evaluated: 2024-01-22. Review status: criteria provided, single submitter. Criteria: Invitae Variant Classification Sherloc (09022015). Collection method: clinical testing. Allele origin: germline.
Comment: This sequence change replaces arginine, which is basic and polar, with tryptophan, which is neutral and slightly polar, at codon 58 of the SDHAF1 protein (p.Arg58Trp). This variant is not present in population databases (gnomAD no frequency). This variant has not been reported in the literature in individuals affected with SDHAF1-related conditions. ClinVar contains an entry for this variant (Variation ID: 1973119). An algorithm developed to predict the effect of missense changes on protein structure and function (PolyPhen-2) suggests that this variant is likely to be tolerated. In summary, the available evidence is currently insufficient to determine the role of this variant in disease. Therefore, it has been classified as a Variant of Uncertain Significance.

NM_001042631.3(SDHAF1):c.172C>T (p.Arg58Trp)

Genes: SDHAF1 (succinate dehydrogenase complex assembly factor 1; plus strand), LOC130064280 (ATAC-STARR-seq lymphoblastoid silent region 10545; plus strand). Cytogenetic location: 19q13.12.
Variant type: single nucleotide variant.
Coding change: c.172C>T on transcript NM_001042631.3 (MANE Select); coding-DNA position 172, C replaced by T.
Protein change: p.Arg58Trp; replaces arginine 58 with tryptophan.
Molecular consequence: missense variant.
Genome position (GRCh38, 1-based): chr19:35,995,446, C>T. VCF-style: chr19-35995446-C-T. GRCh37 (hg19) VCF-style: chr19-36486348-C-T.
Other names: short protein forms R58W.
Identifiers: ClinVar variation 1973119 (VCV001973119.5), dbSNP rs1421999723, ClinGen allele CA405423785.